The following is an entry in ClinVar:

NM_000321.3(RB1):c.2779G>C (p.Glu927Gln)

Gene: RB1 (RB transcriptional corepressor 1; plus strand). Cytogenetic location: 13q14.2.
Variant type: single nucleotide variant.
Coding change: c.2779G>C on transcript NM_000321.3 (MANE Select); coding-DNA position 2779, G replaced by C.
Protein change: p.Glu927Gln; replaces glutamic acid 927 with glutamine.
Molecular consequence: missense variant.
Genome position (GRCh38, 1-based): chr13:48,480,063, G>C. VCF-style: chr13-48480063-G-C. GRCh37 (hg19) VCF-style: chr13-49054199-G-C.
Other names: short protein forms E927Q.
Identifiers: ClinVar variation 849491 (VCV000849491.13), dbSNP rs1949528826, ClinGen allele CA388158642.

ClinVar aggregate classification (germline): Uncertain significance. Review status: criteria provided, multiple submitters, no conflicts (2 of 4 stars). 4 submissions from 4 submitters: Uncertain significance (4). Last evaluated 2024-10-24.

Conditions:
Retinoblastoma (RB1). Also called: RETINOBLASTOMA, SOMATIC. Identifiers: Orphanet 790, MedGen C0035335, MeSH D012175, MONDO:0008380, OMIM 180200, HP:0009919. Disease mechanism: loss of function. Inheritance: Both sporadic and heritable forms are tested..
Malignant tumor of urinary bladder. Also called: Urinary bladder cancer; Urinary Bladder Neoplasms; Bladder cancer. Identifiers: MedGen C0005684, MONDO:0001187, OMIM 109800.
Hereditary cancer-predisposing syndrome. Also called: Tumor predisposition; Neoplastic Syndromes, Hereditary; Hereditary neoplastic syndrome; Hereditary Cancer Syndrome. Identifiers: Orphanet 140162, MedGen C0027672, MeSH D009386, MONDO:0015356.

Allele frequency attached by ClinVar (database versions not stated): gnomAD exomes below 0.00001.

Submissions (4):

Labcorp Genetics (formerly Invitae), Labcorp
Classification: Uncertain significance for Retinoblastoma. Last evaluated: 2024-10-24. Review status: criteria provided, single submitter. Criteria: Invitae Variant Classification Sherloc (09022015). Collection method: clinical testing. Allele origin: germline.
Comment: This sequence change replaces glutamic acid, which is acidic and polar, with glutamine, which is neutral and polar, at codon 927 of the RB1 protein (p.Glu927Gln). This variant is not present in population databases (gnomAD no frequency). This variant has not been reported in the literature in individuals affected with RB1-related conditions. ClinVar contains an entry for this variant (Variation ID: 849491). Invitae Evidence Modeling of protein sequence and biophysical properties (such as structural, functional, and spatial information, amino acid conservation, physicochemical variation, residue mobility, and thermodynamic stability) has been performed for this missense variant. However, the output from this modeling did not meet the statistical confidence thresholds required to predict the impact of this variant on RB1 protein function. In summary, the available evidence is currently insufficient to determine the role of this variant in disease. Therefore, it has been classified as a Variant of Uncertain Significance.

All of Us Research Program, National Institutes of Health
Classification: Uncertain significance for Retinoblastoma. Last evaluated: 2024-04-16. Review status: criteria provided, single submitter. Criteria: ACMG Guidelines, 2015. Collection method: clinical testing. Allele origin: germline. Inheritance: Autosomal dominant inheritance. Observed: 2 variant alleles, 2 heterozygotes.
Comment: This missense variant replaces glutamic acid with glutamine at codon 927 of the RB1 protein. Computational prediction suggests that this variant may not impact protein structure and function (internally defined REVEL score threshold <= 0.5, PMID: 27666373). To our knowledge, functional studies have not been reported for this variant. This variant has not been reported in individuals affected with RB1-related disorders in the literature. This variant has not been identified in the general population by the Genome Aggregation Database (gnomAD). The available evidence is insufficient to determine the role of this variant in disease conclusively. Therefore, this variant is classified as a Variant of Uncertain Significance.

This study involves interpretation of variants in research participants for the purpose of population health screening. Participant phenotype was not available at the time of variant classification. Additional details can be found in publication PMID: 35346344, PMCID: PMC8962531

Baylor Genetics
Classification: Uncertain significance for Malignant tumor of urinary bladder. Last evaluated: 2023-07-12. Review status: criteria provided, single submitter. Criteria: ACMG Guidelines, 2015. Collection method: clinical testing. Allele origin: unknown.

Ambry Genetics
Classification: Uncertain significance for Hereditary cancer-predisposing syndrome. Last evaluated: 2022-12-30. Review status: criteria provided, single submitter. Criteria: Ambry Variant Classification Scheme 2023. Collection method: clinical testing. Allele origin: germline.
Comment: The p.E927Q variant (also known as c.2779G>C), located in coding exon 27 of the RB1 gene, results from a G to C substitution at nucleotide position 2779. The glutamic acid at codon 927 is replaced by glutamine, an amino acid with highly similar properties. This amino acid position is conserved. In addition, this alteration is predicted to be tolerated by in silico analysis. Since supporting evidence is limited at this time, the clinical significance of this alteration remains unclear.